The following is an entry in ClinVar:

NM_001099922.3(ALG13):c.1143G>C (p.Leu381Phe)

Gene: ALG13 (ALG13 UDP-N-acetylglucosaminyltransferase subunit; plus strand). Cytogenetic location: Xq23.
Variant type: single nucleotide variant.
Coding change: c.1143G>C on transcript NM_001099922.3 (MANE Select); coding-DNA position 1143, G replaced by C.
Protein change: p.Leu381Phe; replaces leucine 381 with phenylalanine.
Molecular consequence: missense variant. On other transcripts: non-coding transcript variant (1).
Genome position (GRCh38, 1-based): chrX:111,718,167, G>C. VCF-style: chrX-111718167-G-C. GRCh37 (hg19) VCF-style: chrX-110961395-G-C.
Other names: c.831G>C, p.Leu277Phe (NM_001257230.2, NM_001257234.2, NM_001257237.2 and 1 more transcripts); c.909G>C, p.Leu303Phe (NM_001257231.2); c.1143G>C, p.Leu381Phe (NM_001324292.2); short protein forms L303F, L381F, L277F.
Identifiers: ClinVar variation 3009618 (VCV003009618.3), dbSNP rs1940898133, ClinGen allele CA414250966.

ClinVar aggregate classification (germline): Uncertain significance (1 of 4 stars; one submission).

Conditions:
Developmental and epileptic encephalopathy, 36 (DEE36). Also called: Epileptic encephalopathy, early infantile, 36; Congenital disorder of glycosylation, type Is; ALG13-CDG. Identifiers: Orphanet 324422, MedGen C4317295, MONDO:0010472, OMIM 300884.

Submission:

Labcorp Genetics (formerly Invitae), Labcorp
Classification: Uncertain significance for Developmental and epileptic encephalopathy, 36. Last evaluated: 2023-05-25. Review status: criteria provided, single submitter. Criteria: Invitae Variant Classification Sherloc (09022015). Collection method: clinical testing. Allele origin: germline.
Comment: This sequence change replaces leucine, which is neutral and non-polar, with phenylalanine, which is neutral and non-polar, at codon 381 of the ALG13 protein (p.Leu381Phe). This variant is not present in population databases (gnomAD no frequency). This variant has not been reported in the literature in individuals affected with ALG13-related conditions. Advanced modeling of protein sequence and biophysical properties (such as structural, functional, and spatial information, amino acid conservation, physicochemical variation, residue mobility, and thermodynamic stability) performed at Invitae indicates that this missense variant is not expected to disrupt ALG13 protein function. In summary, the available evidence is currently insufficient to determine the role of this variant in disease. Therefore, it has been classified as a Variant of Uncertain Significance.